The following is an entry in ClinVar:

ClinVar aggregate classification (germline): Uncertain significance (1 of 4 stars; one submission).

Conditions:
Intellectual developmental disorder with dysmorphic facies and behavioral abnormalities. Identifiers: MedGen C4748135, MONDO:0060760, OMIM 618089.

Submission:

Laboratorio de Genetica e Diagnostico Molecular, Hospital Israelita Albert Einstein
Classification: Uncertain significance for Intellectual developmental disorder with dysmorphic facies and behavioral abnormalities. Last evaluated: 2023-09-27. Review status: criteria provided, single submitter. Criteria: ACMG Guidelines, 2015. Collection method: clinical testing. Allele origin: germline. Affected: yes.
Comment: ACMG classification criteria: PM2 moderate, PP2 supporting, BP4 supporting

NM_001190274.2(FBXO11):c.230G>A (p.Arg77Gln)

Gene: FBXO11 (F-box protein 11; minus strand). Cytogenetic location: 2p16.3.
Variant type: single nucleotide variant.
Coding change: c.230G>A on transcript NM_001190274.2 (MANE Select); coding-DNA position 230, G replaced by A.
Protein change: p.Arg77Gln; replaces arginine 77 with glutamine.
Molecular consequence: missense variant.
Genome position (GRCh38, 1-based): chr2:47,905,491, C>T on the plus strand (G>A on the coding strand, the complement: FBXO11 is on the minus strand). VCF-style: chr2-47905491-C-T. GRCh37 (hg19) VCF-style: chr2-48132630-C-T.
Other names: short protein forms R77Q.
Identifiers: ClinVar variation 3902013 (VCV003902013.1).
Genomic context (GRCh38, chr2:47,905,491, plus strand): 5'-GGCCTCCCTTCCCGCGGTGCCCGGGAAGGCGGGCGGTTGGGAGGTAGCGCGGCCTTACCC[C>T]GCTCGCCGACGTTGTTCCGCTCCTGAGGCAGCGGCGGAGGCGGCGGTGGCGGCGGCGGAG-3'
Protein context (NP_001177203.1, residues 67-87): LPQERNNVGE[Arg77Gln]DDDVPADMVA